The following is an entry in ClinVar:

ClinVar aggregate classification (germline): Conflicting classifications of pathogenicity. Review status: criteria provided, conflicting classifications (1 of 4 stars). 2 submissions from 2 submitters: Uncertain significance (1); Likely benign (1). Last evaluated 2025-09-05.

Conditions:
Hereditary nonpolyposis colorectal neoplasms. Identifiers: MedGen C0009405, MeSH D003123.
Hereditary cancer-predisposing syndrome. Also called: Neoplastic Syndromes, Hereditary; Tumor predisposition; Hereditary Cancer Syndrome; Hereditary neoplastic syndrome. Identifiers: Orphanet 140162, MedGen C0027672, MeSH D009386, MONDO:0015356.

gnomAD v4.1: 1 of 1,614,230 alleles (0.000062%); highest among the groups gnomAD compares: African/African-American, 0.0013%; no homozygotes.

Submissions (2):

Ambry Genetics
Classification: Uncertain significance for Hereditary cancer-predisposing syndrome. Last evaluated: 2025-09-05. Review status: criteria provided, single submitter. Criteria: Ambry Variant Classification Scheme 2023. Collection method: clinical testing. Allele origin: germline.
Comment: The p.V131I variant (also known as c.391G>A), located in coding exon 2 of the MSH6 gene, results from a G to A substitution at nucleotide position 391. The valine at codon 131 is replaced by isoleucine, an amino acid with highly similar properties. This amino acid position is highly conserved in available vertebrate species. In addition, the in silico prediction for this alteration is inconclusive. Since supporting evidence is limited at this time, the clinical significance of this alteration remains unclear.

Labcorp Genetics (formerly Invitae), Labcorp
Classification: Likely benign for Hereditary nonpolyposis colorectal neoplasms. Last evaluated: 2025-07-14. Review status: criteria provided, single submitter. Criteria: Invitae Variant Classification Sherloc (09022015). Collection method: clinical testing. Allele origin: germline.

Literature cited by the submitters: PubMed 29245953 (cited by Ambry Genetics).

NM_000179.3(MSH6):c.391G>A (p.Val131Ile)

Gene: MSH6 (mutS homolog 6; plus strand). Cytogenetic location: 2p16.3.
Variant type: single nucleotide variant.
Coding change: c.391G>A on transcript NM_000179.3 (MANE Select); coding-DNA position 391, G replaced by A.
Protein change: p.Val131Ile; replaces valine 131 with isoleucine.
Molecular consequence: missense variant. On other transcripts: 5 prime UTR variant (2), intron variant (1).
Genome position (GRCh38, 1-based): chr2:47,791,057, G>A. VCF-style: chr2-47791057-G-A. GRCh37 (hg19) VCF-style: chr2-48018196-G-A.
Other names: c.-346G>A (NM_001281493.2, NM_001406811.1, NM_001406823.1 and 1 more transcripts); c.-512G>A (NM_001281494.2); c.487G>A, p.Val163Ile (NM_001406795.1, NM_001406802.1); c.391G>A, p.Val131Ile (NM_001406796.1, NM_001406798.1, NM_001406800.1 and 6 more transcripts); c.94G>A, p.Val32Ile (NM_001406797.1, NM_001406801.1, NM_001406805.1 and 10 more transcripts); c.313G>A, p.Val105Ile (NM_001406804.1); c.-538G>A (NM_001406807.1); c.-604G>A (NM_001406814.1); and 2 more; short protein forms V105I, V163I, V75I, V131I, V32I.
Identifiers: ClinVar variation 1736186 (VCV001736186.8), dbSNP rs765060096, ClinGen allele CA346737067.